The following is an entry in ClinVar:

ClinVar aggregate classification (germline): Uncertain significance. Review status: criteria provided, multiple submitters, no conflicts (2 of 4 stars). 2 submissions from 2 submitters: Uncertain significance (2). Last evaluated 2022-01-16.

Allele frequency attached by ClinVar (database versions not stated): gnomAD 0.00001; gnomAD exomes 0.00001; ExAC 0.00003; ESP Exome Variant Server 0.00008.
gnomAD v4.1: 17 of 1,612,800 alleles (0.0011%); highest among the groups gnomAD compares: South Asian, 0.0099%; no homozygotes.

Submissions (2):

Labcorp Genetics (formerly Invitae), Labcorp
Classification: Uncertain significance. Last evaluated: 2022-01-16. Review status: criteria provided, single submitter. Criteria: Invitae Variant Classification Sherloc (09022015). Collection method: clinical testing. Allele origin: germline.
Comment: In summary, the available evidence is currently insufficient to determine the role of this variant in disease. Therefore, it has been classified as a Variant of Uncertain Significance. Variants that disrupt the consensus splice site are a relatively common cause of aberrant splicing (PMID: 17576681, 9536098). Algorithms developed to predict the effect of sequence changes on RNA splicing suggest that this variant is not likely to affect RNA splicing. This variant has not been reported in the literature in individuals affected with IMPG2-related conditions. This variant is present in population databases (rs373959728, gnomAD 0.02%), including at least one homozygous and/or hemizygous individual. This sequence change falls in intron 9 of the IMPG2 gene. It does not directly change the encoded amino acid sequence of the IMPG2 protein. It affects a nucleotide within the consensus splice site.

Blueprint Genetics
Classification: Uncertain significance. Last evaluated: 2019-06-06. Review status: criteria provided, single submitter. Criteria: ACMG Guidelines, 2015. Collection method: clinical testing. Allele origin: germline.

Literature cited by the submitters: PubMed 17576681 (cited by Labcorp Genetics (formerly Invitae), Labcorp); PubMed 9536098 (cited by Labcorp Genetics (formerly Invitae), Labcorp).

NM_016247.4(IMPG2):c.909-3T>C

Gene: IMPG2 (interphotoreceptor matrix proteoglycan 2; minus strand). Cytogenetic location: 3q12.3.
Variant type: single nucleotide variant.
Coding change: c.909-3T>C on transcript NM_016247.4 (MANE Select); 3 bases into the intron before coding-DNA position 909, T replaced by C.
Molecular consequence: intron variant.
Genome position (GRCh38, 1-based): chr3:101,257,776, A>G on the plus strand (T>C on the coding strand, the complement: IMPG2 is on the minus strand). VCF-style: chr3-101257776-A-G. GRCh37 (hg19) VCF-style: chr3-100976620-A-G.
Identifiers: ClinVar variation 2072841 (VCV002072841.4), dbSNP rs373959728, ClinGen allele CA2519314.
Genomic context (GRCh38, chr3:101,257,776, plus strand): 5'-GGTGGTATTGCTGATGGCCTCACCATTGAAGGTAACTGCATAGTAAACATCTACGCCACT[A>G]TGGATGGAAAGAGAGAACAGGTTAGGTTCAGCTAAGGAAGCACAAAGAAAGGAGCATTGA-3'